The following is an entry in ClinVar:

NM_004172.5(SLC1A3):c.861-222_861-221dup

Genes: SLC1A3 (solute carrier family 1 member 3; plus strand), SLC1A3-AS1 (SLC1A3 antisense RNA 1; minus strand). Cytogenetic location: 5p13.2.
Variant type: Duplication.
Coding change: c.861-222_861-221dup on transcript NM_004172.5 (MANE Select); 222 bases into the intron before coding-DNA position 861 through 221 bases into the intron before coding-DNA position 861, 2 bases duplicated (TT; older notation c.861-222_861-221dupTT).
Molecular consequence: intron variant.
Genome position (GRCh38, 1-based): chr5:36,679,405-36,679,406, TT duplicated. VCF-style (leftmost placement, unchanged base first): chr5-36679404-A-ATT. GRCh37 (hg19) VCF-style: chr5-36679506-A-ATT.
Other names: c.861-222_861-221dup (NM_001166695.3); c.525-222_525-221dup (NM_001289940.2); c.723-222_723-221dup (NM_001289939.2).
Identifiers: ClinVar variation 3239549 (VCV003239549.19), dbSNP rs2478154852.

ClinVar aggregate classification (germline): Uncertain significance (1 of 4 stars; one submission).

Submission:

CeGaT Center for Human Genetics Tuebingen
Classification: Uncertain significance. Last evaluated: 2024-05-01. Review status: criteria provided, single submitter. Criteria: CeGaT Center For Human Genetics Tuebingen Variant Classification Criteria Version 2. Collection method: clinical testing. Allele origin: germline. Affected: yes. Observed: 1 variant allele.
Comment: SLC1A3: PM2